The following is an entry in ClinVar:

NM_001009944.3(PKD1):c.7106A>G (p.Glu2369Gly)

Gene: PKD1 (polycystin 1, transient receptor potential channel interacting; minus strand). Cytogenetic location: 16p13.3.
Variant type: single nucleotide variant.
Coding change: c.7106A>G on transcript NM_001009944.3 (MANE Select); coding-DNA position 7106, A replaced by G.
Protein change: p.Glu2369Gly; replaces glutamic acid 2369 with glycine.
Molecular consequence: missense variant.
Genome position (GRCh38, 1-based): chr16:2,106,908, T>C on the plus strand (A>G on the coding strand, the complement: PKD1 is on the minus strand). VCF-style: chr16-2106908-T-C. GRCh37 (hg19) VCF-style: chr16-2156909-T-C.
Other names: c.7106A>G, p.Glu2369Gly (NM_000296.4); short protein forms E2369G.
Identifiers: ClinVar variation 4883205 (VCV004883205.2).
Genomic context (GRCh38, chr16:2,106,908, plus strand): 5'-AAGTACACGTAGGAGCTGCGGCTCACTTCGTACACGGCCTGTGCCTTGCAGGACACACAC[T>C]CCAAGGACACAATGGGCACCCGGCCACTCCGGATCAGCACCTGGCGTGGGAGTGGGGTTA-3'
Protein context (NP_001009944.3, residues 2359-2379): RSGRVPIVSL[Glu2369Gly]CVSCKAQAVY

ClinVar aggregate classification (germline): Uncertain significance (1 of 4 stars; one submission).

Conditions:
Polycystic kidney disease, adult type (PKD1). Also called: Polycystic Kidney, Autosomal Dominant; POLYCYSTIC KIDNEY DISEASE, ADULT, TYPE I; Polycystic Kidney Disease 1, Autosomal Dominant; Polycystic kidney disease 1; Polycystic kidney disease 1, severe; POLYCYSTIC KIDNEY DISEASE 1 WITH OR WITHOUT POLYCYSTIC LIVER DISEASE. Identifiers: MedGen C3149841, MONDO:0008263, OMIM 173900.

gnomAD v4.1: 1 of 1,570,266 alleles (0.000064%); no homozygotes.

Submission:

Dasa
Classification: Uncertain significance for Polycystic kidney disease, adult type. Last evaluated: 2026-04-15. Review status: criteria provided, single submitter. Criteria: DASA Assertion Criteria. Collection method: clinical testing. Allele origin: germline.
Comment: NM_001009944.3(PKD1):c.7106A>G (p.Glu2369Gly) is a missense variant that results in the substitution of glutamic acid with glycine. The affected residue or protein region has prior evidence supporting clinical relevance. This variant is rare in population databases. Computational prediction algorithms are consistent with a deleterious effect. The currently available literature and clinical evidence are not sufficient to establish a definitive association between this variant and the reported condition. Therefore, this variant is classified as a variant of uncertain significance.